The following is an entry in ClinVar:

ClinVar aggregate classification (germline): Likely benign (1 of 4 stars; one submission).

Allele frequency attached by ClinVar (database versions not stated): gnomAD exomes 0.00079; gnomAD 0.00806 and 0.00874; 1000 Genomes Project 0.00899; 1000 Genomes Project 30x 0.00953; TOPMed 0.01018.
gnomAD v4.1: 2,212 of 1,348,836 alleles (0.16%); highest among the groups gnomAD compares: African/African-American, 2.7%; 30 homozygotes.

Submission:

GeneDx
Classification: Likely benign. Last evaluated: 2021-09-18. Review status: criteria provided, single submitter. Criteria: GeneDx Variant Classification Process June 2021. Collection method: clinical testing. Allele origin: germline. Affected: yes.
Comment: See Variant Classification Assertion Criteria.

NM_006946.4(SPTBN2):c.4014+135T>C

Gene: SPTBN2 (spectrin beta, non-erythrocytic 2; minus strand). Cytogenetic location: 11q13.2.
Variant type: single nucleotide variant.
Coding change: c.4014+135T>C on transcript NM_006946.4 (MANE Select); 135 bases into the intron after coding-DNA position 4014, T replaced by C.
Molecular consequence: intron variant.
Genome position (GRCh38, 1-based): chr11:66,698,504, A>G on the plus strand (T>C on the coding strand, the complement: SPTBN2 is on the minus strand). VCF-style: chr11-66698504-A-G. GRCh37 (hg19) VCF-style: chr11-66465975-A-G.
Identifiers: ClinVar variation 1700326 (VCV001700326.2), dbSNP rs115645857, ClinGen allele CA224082345.